The following is an entry in ClinVar:

NM_000245.4(MET):c.2427G>C (p.Leu809=)

Gene: MET (MET proto-oncogene, receptor tyrosine kinase; plus strand). Cytogenetic location: 7q31.2.
Variant type: single nucleotide variant.
Coding change: c.2427G>C on transcript NM_000245.4 (MANE Select); coding-DNA position 2427, G replaced by C.
Protein change: p.Leu809=; no amino-acid change (leucine 809 retained).
Molecular consequence: synonymous variant.
Genome position (GRCh38, 1-based): chr7:116,763,112, G>C. VCF-style: chr7-116763112-G-C. GRCh37 (hg19) VCF-style: chr7-116403166-G-C.
Other names: c.2481G>C, p.Leu827= (NM_001127500.3); c.2427G>C, p.Leu809= (NM_001324401.3); c.1137G>C, p.Leu379= (NM_001324402.2).
Identifiers: ClinVar variation 3773284 (VCV003773284.1).

ClinVar aggregate classification (germline): Benign (1 of 4 stars; one submission).

Conditions:
Papillary renal cell carcinoma type 1 (RCCP1). Also called: Renal adenocarcinoma; Renal cell carcinoma 1; Renal cell carcinoma, somatic; RENAL CELL CARCINOMA, PAPILLARY, 1, SOMATIC. Identifiers: Orphanet 47044, MedGen C1336839, OMIM 605074, HP:0011797.

gnomAD v4.1: 3 of 1,614,048 alleles (0.00019%); highest among the groups gnomAD compares: Non-Finnish European, 0.00025%; no homozygotes.

Submission:

Myriad Genetics, Inc.
Classification: Benign for Papillary renal cell carcinoma type 1. Last evaluated: 2024-11-11. Review status: criteria provided, single submitter. Criteria: Myriad Autosomal Dominant, Autosomal Recessive and X-Linked Classification Criteria (2023). Collection method: clinical testing. Allele origin: unknown.
Comment: This variant is considered benign. This variant is a silent/synonymous amino acid change and it is not expected to impact splicing.